The following is an entry in ClinVar:

ClinVar aggregate classification (germline): Uncertain significance (1 of 4 stars; one submission).

Allele frequency attached by ClinVar (database versions not stated): gnomAD exomes 0.00001; ExAC 0.00002.
gnomAD v4.1: 11 of 1,613,808 alleles (0.00068%); highest among the groups gnomAD compares: Non-Finnish European, 0.00093%; no homozygotes.

Submission:

Ambry Genetics
Classification: Uncertain significance. Last evaluated: 2024-09-18. Review status: criteria provided, single submitter. Criteria: Ambry Variant Classification Scheme 2023. Collection method: clinical testing. Allele origin: germline.
Comment: The p.V121A variant (also known as c.362T>C), located in coding exon 4 of the BUB1 gene, results from a T to C substitution at nucleotide position 362. The valine at codon 121 is replaced by alanine, an amino acid with similar properties. This amino acid position is conserved. In addition, the in silico prediction for this alteration is inconclusive. Since supporting evidence is limited at this time, the clinical significance of this alteration remains unclear.

NM_004336.5(BUB1):c.362T>C (p.Val121Ala)

Gene: BUB1 (BUB1 mitotic checkpoint serine/threonine kinase; minus strand). Cytogenetic location: 2q13.
Variant type: single nucleotide variant.
Coding change: c.362T>C on transcript NM_004336.5 (MANE Select); coding-DNA position 362, T replaced by C.
Protein change: p.Val121Ala; replaces valine 121 with alanine.
Molecular consequence: missense variant.
Genome position (GRCh38, 1-based): chr2:110,672,721, A>G on the plus strand (T>C on the coding strand, the complement: BUB1 is on the minus strand). VCF-style: chr2-110672721-A-G. GRCh37 (hg19) VCF-style: chr2-111430298-A-G.
Other names: c.302T>C, p.Val101Ala (NM_001278616.2); c.362T>C, p.Val121Ala (NM_001278617.2); short protein forms V101A, V121A.
Identifiers: ClinVar variation 1733402 (VCV001733402.3), dbSNP rs750544206, ClinGen allele CA1828381.